The following is an entry in ClinVar:

NM_001277115.2(DNAH11):c.9675_9677del (p.Leu3226del)

Gene: DNAH11 (dynein axonemal heavy chain 11; plus strand). Cytogenetic location: 7p15.3.
Variant type: Deletion.
Coding change: c.9675_9677del on transcript NM_001277115.2 (MANE Select); coding-DNA positions 9675 to 9677, 3 bases deleted (TCT; older notation c.9675_9677delTCT).
Protein change: p.Leu3226del; deletes leucine 3226.
Molecular consequence: inframe deletion.
Genome position (GRCh38, 1-based): chr7:21,786,701-21,786,703, TCT deleted; deleting any 3 consecutive bases within chr7:21,786,699-21,786,703 gives the same sequence; the c. name uses the placement nearest the transcript's 3' end. VCF-style (leftmost placement, unchanged base first): chr7-21786698-CCTT-C. GRCh37 (hg19) VCF-style: chr7-21826316-CCTT-C.
Other names: short protein forms L3226del.
Identifiers: ClinVar variation 1051967 (VCV001051967.14), dbSNP rs759608996, ClinGen allele CA4182070.

ClinVar aggregate classification (germline): Uncertain significance (1 of 4 stars; one submission).

Conditions:
Primary ciliary dyskinesia. Also called: Ciliary dyskinesia. Identifiers: Orphanet 244, MedGen C0008780, MONDO:0016575, HP:0012265.

Submission:

Labcorp Genetics (formerly Invitae), Labcorp
Classification: Uncertain significance for Primary ciliary dyskinesia. Last evaluated: 2021-08-13. Review status: criteria provided, single submitter. Criteria: Invitae Variant Classification Sherloc (09022015). Collection method: clinical testing. Allele origin: germline.
Comment: This variant, c.9675_9677del, results in the deletion of 1 amino acid(s) of the DNAH11 protein (p.Leu3226del), but otherwise preserves the integrity of the reading frame. This variant is present in population databases (rs759608996, ExAC 0.01%). This variant has been observed in individual(s) with clinical features of primary ciliary dyskinesia (Invitae). Experimental studies and prediction algorithms are not available or were not evaluated, and the functional significance of this variant is currently unknown. In summary, the available evidence is currently insufficient to determine the role of this variant in disease. Therefore, it has been classified as a Variant of Uncertain Significance.